The following is an entry in ClinVar:

NC_000017.10:g.(?_29422322)_(29701179_?)dup

Genes: MIR4733HG (MIR4733 host gene; minus strand), NF1 (neurofibromin 1; plus strand), OMG (oligodendrocyte myelin glycoprotein; minus strand), EVI2A (ecotropic viral integration site 2A; minus strand), EVI2B (ecotropic viral integration site 2B; minus strand) and 10 more. Cytogenetic location: 17q11.2.
Variant type: Duplication.
Identifiers: ClinVar variation 527682 (VCV000527682.1).

ClinVar aggregate classification (germline): Uncertain significance (1 of 4 stars; one submission).

Conditions:
Neurofibromatosis, type 1 (NF1). Also called: VON RECKLINGHAUSEN DISEASE; NEUROFIBROMATOSIS, TYPE I, SOMATIC; Peripheral type neurofibromatosis; Neurofibromatosis, type I. Identifiers: Orphanet 636, MedGen C0027831, MONDO:0018975, OMIM 162200. Disease mechanism: loss of function.

Submission:

Labcorp Genetics (formerly Invitae), Labcorp
Classification: Uncertain significance for Neurofibromatosis, type 1. Last evaluated: 2017-09-19. Review status: criteria provided, single submitter. Criteria: Invitae Variant Classification Sherloc (09022015). Collection method: clinical testing. Allele origin: germline.
Comment: A gross duplication of the genomic region encompassing the full coding sequence of the NF1 gene has been identified. The boundaries of this event are unknown as the duplication extends beyond the assayed region for this gene and therefore may encompass additional genes. As the precise location of this duplication is unknown, it may be in tandem or it may be located elsewhere in the genome. This variant is not present in population databases (ExAC no frequency). While a whole gene duplication of NF1 alone has not been reported in the literature in individuals with NF1-related disease, microduplications spanning NF1 and the surrounding genomic region have been reported in individuals with variable developmental delay, intellectual disability, and a distinct absence of neurofibromas (PMID: 25205021, 22241097, 18183042). These large multigenic duplications in NF1 appear to segregate with disease in several families although a few unaffected carriers have also been observed (PMID: 18183042, 22241097, 25205021). Experimental studies and prediction algorithms are not available for this sequence change, and the functional significance of the duplicated region is currently unknown. In summary, the exact genomic location of the duplicated region can not be determined in the current test and the impact of this duplication on NF1 protein function has not been established. Therefore, it has been classified as a Variant of Uncertain Significance.

Literature cited by the submitters: PubMed 22241097; PubMed 25205021; PubMed 18183042.